The following is an entry in ClinVar:

NM_002474.3(MYH11):c.2632C>A (p.Leu878Met)

Gene: MYH11 (myosin heavy chain 11; minus strand). Cytogenetic location: 16p13.11.
Variant type: single nucleotide variant.
Coding change: c.2632C>A on transcript NM_002474.3 (MANE Select); coding-DNA position 2632, C replaced by A.
Protein change: p.Leu878Met; replaces leucine 878 with methionine.
Molecular consequence: missense variant.
Genome position (GRCh38, 1-based): chr16:15,741,780, G>T on the plus strand (C>A on the coding strand, the complement: MYH11 is on the minus strand). VCF-style: chr16-15741780-G-T. GRCh37 (hg19) VCF-style: chr16-15835637-G-T.
Other names: c.2653C>A, p.Leu885Met (NM_001040113.2, NM_001040114.2); c.2632C>A, p.Leu878Met (NM_022844.3); short protein forms L878M, L885M.
Identifiers: ClinVar variation 919897 (VCV000919897.4), dbSNP rs2041280783, ClinGen allele CA394866158.
Genomic context (GRCh38, chr16:15,741,780, plus strand): 5'-CTGTTCCCCAGCAACCCCAGCCATGCATCCATACAGGTACCTGCGAGTGCTTCTGTTCCA[G>T]CTCCTTAAGCTCATTCTCTGCCTTCTGCTGCCGCTCCTTGGTCTTCTGCAGTTCATCCTC-3'
Protein context (NP_002465.1, residues 868-888): QQKAENELKE[Leu878Met]EQKHSQLTEE

ClinVar aggregate classification (germline): Uncertain significance (1 of 4 stars; one submission).

Conditions:
Familial thoracic aortic aneurysm and aortic dissection (TAAD). Also called: Thoracic aortic aneurysms and dissections. Identifiers: Orphanet 91387, MedGen C4707243, MONDO:0019625.

Submission:

Color Diagnostics, LLC DBA Color Health
Classification: Uncertain significance for Familial thoracic aortic aneurysm and aortic dissection. Last evaluated: 2024-03-07. Review status: criteria provided, single submitter. Criteria: ACMG Guidelines, 2015. Collection method: clinical testing. Allele origin: germline.
Comment: This missense variant replaces leucine with methionine at codon 885 of the MYH11 protein. Computational prediction suggests that this variant may not impact protein structure and function (internally defined REVEL score threshold <= 0.5, PMID: 27666373). To our knowledge, functional studies have not been reported for this variant. This variant has not been reported in individuals affected with cardiovascular disorders in the literature. This variant has not been identified in the general population by the Genome Aggregation Database (gnomAD). The available evidence is insufficient to determine the role of this variant in disease conclusively. Therefore, this variant is classified as a Variant of Uncertain Significance.